The following is an entry in ClinVar:

NM_001876.4(CPT1A):c.1720C>T (p.Leu574Phe)

Gene: CPT1A (carnitine palmitoyltransferase 1A; minus strand). Cytogenetic location: 11q13.3.
Variant type: single nucleotide variant.
Coding change: c.1720C>T on transcript NM_001876.4 (MANE Select); coding-DNA position 1720, C replaced by T.
Protein change: p.Leu574Phe; replaces leucine 574 with phenylalanine.
Molecular consequence: missense variant.
Genome position (GRCh38, 1-based): chr11:68,773,285, G>A on the plus strand (C>T on the coding strand, the complement: CPT1A is on the minus strand). VCF-style: chr11-68773285-G-A. GRCh37 (hg19) VCF-style: chr11-68540753-G-A.
Other names: c.1720C>T, p.Leu574Phe (NM_001031847.3); short protein forms L574F.
Identifiers: ClinVar variation 849433 (VCV000849433.8), dbSNP rs1484699196, ClinGen allele CA381628473.

ClinVar aggregate classification (germline): Uncertain significance. Review status: criteria provided, multiple submitters, no conflicts (2 of 4 stars). 3 submissions from 3 submitters: Uncertain significance (2). 1 of the submissions does not count toward it. Last evaluated 2024-05-23.

Conditions:
Carnitine palmitoyl transferase 1A deficiency. Also called: CPT deficiency, hepatic, type IA; CPT I DEFICIENCY; CPT DEFICIENCY, HEPATIC, TYPE I; Carnitine palmitoyltransferase type I deficiency; Carnitine palmitoyltransferase 1A deficiency. Identifiers: Orphanet 156, MedGen C1829703, MONDO:0009705, OMIM 255120.
Inborn genetic diseases. Identifiers: MedGen C0950123, MeSH D030342.

Allele frequency attached by ClinVar (database versions not stated): gnomAD exomes 0.00001.
gnomAD v4.1: 9 of 1,614,110 alleles (0.00056%); highest among the groups gnomAD compares: South Asian, 0.0077%; no homozygotes.

Submissions (3):

Ambry Genetics
Classification: Uncertain significance for Inborn genetic diseases. Last evaluated: 2024-05-23. Review status: criteria provided, single submitter. Criteria: Ambry Variant Classification Scheme 2023. Collection method: clinical testing. Allele origin: germline.

Labcorp Genetics (formerly Invitae), Labcorp
Classification: Uncertain significance for Carnitine palmitoyl transferase 1A deficiency. Last evaluated: 2021-09-02. Review status: criteria provided, single submitter. Criteria: Invitae Variant Classification Sherloc (09022015). Collection method: clinical testing. Allele origin: germline.
Comment: This sequence change replaces leucine with phenylalanine at codon 574 of the CPT1A protein (p.Leu574Phe). The leucine residue is highly conserved and there is a small physicochemical difference between leucine and phenylalanine. This variant is not present in population databases (ExAC no frequency). This variant has not been reported in the literature in individuals affected with CPT1A-related conditions. Algorithms developed to predict the effect of missense changes on protein structure and function are either unavailable or do not agree on the potential impact of this missense change (SIFT: "Deleterious"; PolyPhen-2: "Probably Damaging"; Align-GVGD: "Class C0"). In summary, the available evidence is currently insufficient to determine the role of this variant in disease. Therefore, it has been classified as a Variant of Uncertain Significance.

Natera, Inc.
Classification: Uncertain significance for Carnitine palmitoyltransferase type I deficiency. Last evaluated: 2020-09-16. Review status: no assertion criteria provided. Collection method: clinical testing. Allele origin: germline. Not counted in ClinVar's aggregate classification.